The following is an entry in ClinVar:

ClinVar aggregate classification (germline): Likely pathogenic (1 of 4 stars; one submission).

Conditions:
Epilepsy, progressive myoclonic, 11. Identifiers: MedGen C5394362, MONDO:0030034, OMIM 618876.

Submission:

3billion
Classification: Likely pathogenic for Epilepsy, progressive myoclonic, 11. Last evaluated: 2024-10-11. Review status: criteria provided, single submitter. Criteria: ACMG Guidelines, 2015. Collection method: clinical testing. Allele origin: germline. Affected: yes.
Comment: The variant is not observed in the gnomAD v4.1.0 dataset. Predicted Consequence/Location: Frameshift: predicted to result in a loss or disruption of normal protein function through nonsense-mediated decay (NMD) or protein truncation. Multiple pathogenic variants are reported downstream of the variant. Therefore, this variant is classified as Likely pathogenic according to the recommendation of ACMG/AMP guideline.

NM_032108.4(SEMA6B):c.1467dup (p.Gly490fs)

Gene: SEMA6B (semaphorin 6B; minus strand). Cytogenetic location: 19p13.3.
Variant type: Duplication.
Coding change: c.1467dup on transcript NM_032108.4 (MANE Select); coding-DNA position 1467, one base duplicated (C; older notation c.1467dupC).
Protein change: p.Gly490fs; shifts the reading frame from glycine 490.
Molecular consequence: frameshift variant.
Genome position (GRCh38, 1-based): chr19:4,548,161, G duplicated on the plus strand (C on the coding strand, the reverse complement: SEMA6B is on the minus strand); the first of 3 consecutive G bases (chr19:4,548,161-4,548,163); duplicating any one gives the same sequence. VCF-style (leftmost placement, unchanged base first): chr19-4548160-C-CG. GRCh37 (hg19) VCF-style: chr19-4548172-C-CG.
Other names: short protein forms G490fs.
Identifiers: ClinVar variation 4293051 (VCV004293051.1).